The following is an entry in ClinVar:

ClinVar aggregate classification (germline): Benign. Review status: criteria provided, multiple submitters, no conflicts (2 of 4 stars). 3 submissions from 3 submitters: Benign (2). 1 of the submissions does not count toward it. Last evaluated 2019-12-31.

Conditions:
DSCAM-related disorder. Also called: DSCAM-related condition.

Allele frequency attached by ClinVar (database versions not stated): ESP Exome Variant Server 0.00049; gnomAD exomes 0.00162 and 0.00662; gnomAD 0.00309 and 0.00353; TOPMed 0.00466; ExAC 0.00538; 1000 Genomes Project 0.01018; 1000 Genomes Project 30x 0.01124.
gnomAD v4.1: 3,003 of 1,613,946 alleles (0.19%); highest among the groups gnomAD compares: Admixed American, 2.7%; 49 homozygotes.

Submissions (3):

Labcorp Genetics (formerly Invitae), Labcorp
Classification: Benign. Last evaluated: 2019-12-31. Review status: criteria provided, single submitter. Criteria: Invitae Variant Classification Sherloc (09022015). Collection method: clinical testing. Allele origin: germline.

Breakthrough Genomics
Classification: Benign. Review status: criteria provided, single submitter. Criteria: ACMG Guidelines, 2015. Collection method: not provided. Allele origin: germline. Inheritance: Unknown mechanism. Affected: yes.

PreventionGenetics, part of Exact Sciences
Classification: Benign for DSCAM-related condition. Last evaluated: 2022-10-06. Review status: no assertion criteria provided. Collection method: clinical testing. Allele origin: germline. Not counted in ClinVar's aggregate classification.
Comment: This variant is classified as benign based on ACMG/AMP sequence variant interpretation guidelines (Richards et al. 2015 PMID: 25741868, with internal and published modifications).

NM_001389.5(DSCAM):c.3750C>T (p.Asn1250=)

Gene: DSCAM (DS cell adhesion molecule; minus strand). Cytogenetic location: 21q22.2.
Variant type: single nucleotide variant.
Coding change: c.3750C>T on transcript NM_001389.5 (MANE Select); coding-DNA position 3750, C replaced by T.
Protein change: p.Asn1250=; no amino-acid change (asparagine 1250 retained).
Molecular consequence: synonymous variant. On other transcripts: non-coding transcript variant (1).
Genome position (GRCh38, 1-based): chr21:40,093,821, G>A on the plus strand (C>T on the coding strand, the complement: DSCAM is on the minus strand). VCF-style: chr21-40093821-G-A. GRCh37 (hg19) VCF-style: chr21-41465748-G-A.
Other names: c.3750C>T, p.Asn1250= (NM_001271534.3).
Identifiers: ClinVar variation 770009 (VCV000770009.7), dbSNP rs41445251, ClinGen allele CA10030844.